The following is an entry in ClinVar:

ClinVar aggregate classification (germline): Uncertain significance (1 of 4 stars; one submission).

Submission:

GeneDx
Classification: Uncertain significance. Last evaluated: 2017-04-12. Review status: criteria provided, single submitter. Criteria: GeneDx Variant Classification (06012015). Collection method: clinical testing. Allele origin: germline. Affected: yes.
Comment: A variant of uncertain significance has been identified in the SCN1A gene. The F1893L variant has not been published as a pathogenic variant, nor has it been reported as a benign variant to our knowledge. The F1893L variant is not observed in large population cohorts (Lek et al., 2016; 1000 Genomes Consortium et al., 2015; Exome Variant Server). This substitution occurs at a conserved position predicted to be within the C-terminal cytoplasmic domain. In silico analysis predicts this variant is probably damaging to the protein structure/function. However, the F1893L variant is a conservative amino acid substitution, which is not likely to impact secondary protein structure as these residues share similar properties. Therefore, based on the currently available information, it is unclear whether this variant is a pathogenic variant or a rare benign variant.

NM_001165963.4(SCN1A):c.5677T>C (p.Phe1893Leu)

Genes: SCN1A (sodium voltage-gated channel alpha subunit 1; minus strand), LOC102724058 (uncharacterized LOC102724058; plus strand). Cytogenetic location: 2q24.3.
Variant type: single nucleotide variant.
Coding change: c.5677T>C on transcript NM_001165963.4 (MANE Select); coding-DNA position 5677, T replaced by C.
Protein change: p.Phe1893Leu; replaces phenylalanine 1893 with leucine.
Molecular consequence: missense variant. On other transcripts: non-coding transcript variant (1).
Genome position (GRCh38, 1-based): chr2:165,991,598, A>G on the plus strand (T>C on the coding strand, the complement: SCN1A is on the minus strand). VCF-style: chr2-165991598-A-G. GRCh37 (hg19) VCF-style: chr2-166848108-A-G.
Other names: c.5593T>C, p.Phe1865Leu (NM_001165964.3, NM_001353957.2, NM_001353958.2); c.5677T>C, p.Phe1893Leu (NM_001202435.3, NM_001353948.2); c.5644T>C, p.Phe1882Leu (NM_001353949.2, NM_001353950.2, NM_001353951.2 and 2 more transcripts); c.5641T>C, p.Phe1881Leu (NM_001353954.2, NM_001353955.2); c.5590T>C, p.Phe1864Leu (NM_001353960.2); c.3235T>C, p.Phe1079Leu (NM_001353961.2); short protein forms F1882L, F1893L, F1079L, F1864L, F1865L, F1881L.
Identifiers: ClinVar variation 426562 (VCV000426562.2), dbSNP rs1085307686, ClinGen allele CA349064859.